The following is an entry in ClinVar:

NM_152383.5(DIS3L2):c.1826G>A (p.Arg609Gln)

Gene: DIS3L2 (DIS3 like 3'-5' exoribonuclease 2; plus strand). Cytogenetic location: 2q37.1.
Variant type: single nucleotide variant.
Coding change: c.1826G>A on transcript NM_152383.5 (MANE Select); coding-DNA position 1826, G replaced by A.
Protein change: p.Arg609Gln; replaces arginine 609 with glutamine.
Molecular consequence: missense variant. On other transcripts: non-coding transcript variant (2), intron variant (1).
Genome position (GRCh38, 1-based): chr2:232,329,899, G>A. VCF-style: chr2-232329899-G-A. GRCh37 (hg19) VCF-style: chr2-233194609-G-A.
Other names: c.1582-13446G>A (NM_001257281.2); short protein forms R609Q.
Identifiers: ClinVar variation 410728 (VCV000410728.10), dbSNP rs774228906, ClinGen allele CA2164280.

ClinVar aggregate classification (germline): Uncertain significance. Review status: criteria provided, multiple submitters, no conflicts (2 of 4 stars). 2 submissions from 2 submitters: Uncertain significance (2). Last evaluated 2025-07-30.

Conditions:
Perlman syndrome (PRLMNS). Identifiers: Orphanet 2849, MedGen C0796113, MONDO:0009965, OMIM 267000.

Allele frequency attached by ClinVar (database versions not stated): TOPMed 0.00001; gnomAD exomes 0.00002; ExAC 0.00003.
gnomAD v4.1: 78 of 1,610,816 alleles (0.0048%); highest among the groups gnomAD compares: Non-Finnish European, 0.0064%; no homozygotes.

Submissions (2):

Labcorp Genetics (formerly Invitae), Labcorp
Classification: Uncertain significance for Perlman syndrome. Last evaluated: 2025-07-30. Review status: criteria provided, single submitter. Criteria: Invitae Variant Classification Sherloc (09022015). Collection method: clinical testing. Allele origin: germline.
Comment: This sequence change replaces arginine, which is basic and polar, with glutamine, which is neutral and polar, at codon 609 of the DIS3L2 protein (p.Arg609Gln). This variant is present in population databases (rs774228906, gnomAD 0.005%). This variant has not been reported in the literature in individuals affected with DIS3L2-related conditions. ClinVar contains an entry for this variant (Variation ID: 410728). Invitae Evidence Modeling of protein sequence and biophysical properties (such as structural, functional, and spatial information, amino acid conservation, physicochemical variation, residue mobility, and thermodynamic stability) indicates that this missense variant is not expected to disrupt DIS3L2 protein function with a negative predictive value of 80%. In summary, the available evidence is currently insufficient to determine the role of this variant in disease. Therefore, it has been classified as a Variant of Uncertain Significance.

Center for Pediatric Genomic Medicine, Children's Mercy Hospital and Clinics
Classification: Uncertain significance. Last evaluated: 2017-05-19. Review status: criteria provided, single submitter. Criteria: ACMG Guidelines, 2015. Collection method: clinical testing. Allele origin: germline.